The following is an entry in ClinVar:

ClinVar aggregate classification (germline): Uncertain significance (1 of 4 stars; one submission).

Conditions:
Inborn genetic diseases. Identifiers: MedGen C0950123, MeSH D030342.

Submission:

Ambry Genetics
Classification: Uncertain significance for Inborn genetic diseases. Last evaluated: 2026-06-21. Review status: criteria provided, single submitter. Criteria: Ambry Variant Classification Scheme 2023. Collection method: clinical testing. Allele origin: germline.
Comment: The p.E349K variant (also known as c.1045G>A), located in coding exon 6 of the ERCC6L2 gene, results from a G to A substitution at nucleotide position 1045. The glutamic acid at codon 349 is replaced by lysine, an amino acid with similar properties. This amino acid position is conserved. In addition, this alteration is predicted to be deleterious by in silico analysis. Based on the available evidence, the clinical significance of this variant remains unclear.

NM_020207.7(ERCC6L2):c.1045G>A (p.Glu349Lys)

Gene: ERCC6L2 (ERCC excision repair 6 like 2; plus strand). Cytogenetic location: 9q22.32.
Variant type: single nucleotide variant.
Coding change: c.1045G>A on transcript NM_020207.7 (MANE Select); coding-DNA position 1045, G replaced by A.
Protein change: p.Glu349Lys; replaces glutamic acid 349 with lysine.
Molecular consequence: missense variant. On other transcripts: non-coding transcript variant (1).
Genome position (GRCh38, 1-based): chr9:95,916,321, G>A. VCF-style: chr9-95916321-G-A. GRCh37 (hg19) VCF-style: chr9-98678603-G-A.
Other names: c.1045G>A, p.Glu349Lys (NM_001375292.1, NM_001375293.1, NM_001375294.1 and 2 more transcripts); short protein forms E349K.
Identifiers: ClinVar variation 5036070 (VCV005036070.1).
Genomic context (GRCh38, chr9:95,916,321, plus strand): 5'-TTCAAGAAGCAGTTTTCTGACCCAGTAGAACATGGTCAGAGACACACGGCAACAAAGAGA[G>A]AACTAGCCACTGGCCGAAAGGCCATGCAAAGACTTGCCAAAAAGATGTCTGGCTGGTTTC-3'
Protein context (NP_064592.3, residues 339-359): HGQRHTATKR[Glu349Lys]LATGRKAMQR